The following is an entry in ClinVar:

NM_014264.5(PLK4):c.1744T>C (p.Tyr582His)

Gene: PLK4 (polo like kinase 4; plus strand). Cytogenetic location: 4q28.1.
Variant type: single nucleotide variant.
Coding change: c.1744T>C on transcript NM_014264.5 (MANE Select); coding-DNA position 1744, T replaced by C.
Protein change: p.Tyr582His; replaces tyrosine 582 with histidine.
Molecular consequence: missense variant.
Genome position (GRCh38, 1-based): chr4:127,890,150, T>C. VCF-style: chr4-127890150-T-C. GRCh37 (hg19) VCF-style: chr4-128811305-T-C.
Other names: c.1648T>C, p.Tyr550His (NM_001190799.2); c.1621T>C, p.Tyr541His (NM_001190801.2); short protein forms Y550H, Y582H, Y541H.
Identifiers: ClinVar variation 1519437 (VCV001519437.6), dbSNP rs1350651898, ClinGen allele CA358157207.

ClinVar aggregate classification (germline): Uncertain significance (1 of 4 stars; one submission).

Allele frequency attached by ClinVar (database versions not stated): gnomAD exomes below 0.00001 and 0.00001; TOPMed below 0.00001.
gnomAD v4.1: 2 of 1,613,970 alleles (0.00012%); highest among the groups gnomAD compares: Admixed American, 0.0033%; no homozygotes.

Submission:

Labcorp Genetics (formerly Invitae), Labcorp
Classification: Uncertain significance. Last evaluated: 2023-10-13. Review status: criteria provided, single submitter. Criteria: Invitae Variant Classification Sherloc (09022015). Collection method: clinical testing. Allele origin: germline.
Comment: This sequence change replaces tyrosine, which is neutral and polar, with histidine, which is basic and polar, at codon 582 of the PLK4 protein (p.Tyr582His). This variant is present in population databases (no rsID available, gnomAD 0.006%). This variant has not been reported in the literature in individuals affected with PLK4-related conditions. ClinVar contains an entry for this variant (Variation ID: 1519437). Algorithms developed to predict the effect of missense changes on protein structure and function output the following: SIFT: "Not Available"; PolyPhen-2: "Benign"; Align-GVGD: "Not Available". The histidine amino acid residue is found in multiple mammalian species, which suggests that this missense change does not adversely affect protein function. In summary, the available evidence is currently insufficient to determine the role of this variant in disease. Therefore, it has been classified as a Variant of Uncertain Significance.